The following is an entry in ClinVar:

NM_001111125.3(IQSEC2):c.219C>T (p.His73=)

Gene: IQSEC2 (IQ motif and Sec7 domain ArfGEF 2; minus strand). Cytogenetic location: Xp11.22.
Variant type: single nucleotide variant.
Coding change: c.219C>T on transcript NM_001111125.3 (MANE Select); coding-DNA position 219, C replaced by T.
Protein change: p.His73=; no amino-acid change (histidine 73 retained).
Molecular consequence: synonymous variant.
Genome position (GRCh38, 1-based): chrX:53,320,905, G>A on the plus strand (C>T on the coding strand, the complement: IQSEC2 is on the minus strand). VCF-style: chrX-53320905-G-A. GRCh37 (hg19) VCF-style: chrX-53350103-G-A.
Other names: c.219C>T, p.His73= (NM_001410736.1, NM_001441092.1).
Identifiers: ClinVar variation 4977674 (VCV004977674.1).

ClinVar aggregate classification (germline): Likely benign (1 of 4 stars; one submission).

Conditions:
IQSEC2-related disorder. Also called: IQSEC2-related condition.

gnomAD v4.1: 1 of 1,162,588 alleles (0.000086%); highest among the groups gnomAD compares: African/African-American, 0.0018%; no homozygotes.

Submission:

PreventionGenetics, part of Exact Sciences
Classification: Likely benign for IQSEC2-related condition. Last evaluated: 2026-03-26. Review status: criteria provided, single submitter. Criteria: ACMG Guidelines, 2015. Collection method: clinical testing. Allele origin: germline.
Comment: This variant is classified as likely benign based on ACMG/AMP sequence variant interpretation guidelines (Richards et al. 2015 PMID: 25741868, with internal and published modifications).